The following is an entry in ClinVar:

ClinVar aggregate classification (germline): Benign (1 of 4 stars; one submission).

Allele frequency attached by ClinVar (database versions not stated): 1000 Genomes Project 0.00180; 1000 Genomes Project 30x 0.00203; TOPMed 0.00780; gnomAD 0.01018.

Submission:

CeGaT Center for Human Genetics Tuebingen
Classification: Benign. Last evaluated: 2023-01-01. Review status: criteria provided, single submitter. Criteria: CeGaT Center For Human Genetics Tuebingen Variant Classification Criteria Version 2. Collection method: clinical testing. Allele origin: germline. Affected: yes. Observed: 1 variant allele.
Comment: CASC11: BS1, BS2

NC_000008.11:g.127734306T>C

Gene: LOC106867047 (origin of replication upstream of MYC; plus strand). Cytogenetic location: 8q24.21.
Variant type: single nucleotide variant.
Genome position: GRCh38 VCF-style: chr8-127734306-T-C. GRCh37 (hg19) VCF-style: chr8-128746552-T-C.
Identifiers: ClinVar variation 2658809 (VCV002658809.24), dbSNP rs146032527, ClinGen allele CA185776520.